The following is an entry in ClinVar:

NM_015909.4(NBAS):c.7010C>T (p.Ala2337Val)

Gene: NBAS (NBAS subunit of NRZ tethering complex; minus strand). Cytogenetic location: 2p24.3.
Variant type: single nucleotide variant.
Coding change: c.7010C>T on transcript NM_015909.4 (MANE Select); coding-DNA position 7010, C replaced by T.
Protein change: p.Ala2337Val; replaces alanine 2337 with valine.
Molecular consequence: missense variant. On other transcripts: non-coding transcript variant (1).
Genome position (GRCh38, 1-based): chr2:15,167,154, G>A on the plus strand (C>T on the coding strand, the complement: NBAS is on the minus strand). VCF-style: chr2-15167154-G-A. GRCh37 (hg19) VCF-style: chr2-15307278-G-A.
Other names: short protein forms A2337V.
Identifiers: ClinVar variation 1062196 (VCV001062196.9), dbSNP rs1165919113, ClinGen allele CA1534795.

ClinVar aggregate classification (germline): Uncertain significance (1 of 4 stars; one submission).

Allele frequency attached by ClinVar (database versions not stated): gnomAD 0.00001; gnomAD exomes 0.00001; ExAC 0.00002; TOPMed 0.00002.
gnomAD v4.1: 11 of 1,614,126 alleles (0.00068%); highest among the groups gnomAD compares: Non-Finnish European, 0.00093%; no homozygotes.

Submission:

Labcorp Genetics (formerly Invitae), Labcorp
Classification: Uncertain significance. Last evaluated: 2022-09-01. Review status: criteria provided, single submitter. Criteria: Invitae Variant Classification Sherloc (09022015). Collection method: clinical testing. Allele origin: germline.
Comment: ClinVar contains an entry for this variant (Variation ID: 1062196). This variant has not been reported in the literature in individuals affected with NBAS-related conditions. This variant is present in population databases (no rsID available, gnomAD 0.002%). Algorithms developed to predict the effect of missense changes on protein structure and function (SIFT, PolyPhen-2, Align-GVGD) all suggest that this variant is likely to be disruptive. This sequence change replaces alanine, which is neutral and non-polar, with valine, which is neutral and non-polar, at codon 2337 of the NBAS protein (p.Ala2337Val). In summary, the available evidence is currently insufficient to determine the role of this variant in disease. Therefore, it has been classified as a Variant of Uncertain Significance. Algorithms developed to predict the effect of sequence changes on RNA splicing suggest that this variant may create or strengthen a splice site.